The following is an entry in ClinVar:

NM_023110.3(FGFR1):c.1600A>G (p.Met534Val)

Gene: FGFR1 (fibroblast growth factor receptor 1; minus strand). Cytogenetic location: 8p11.23.
Variant type: single nucleotide variant.
Coding change: c.1600A>G on transcript NM_023110.3 (MANE Select); coding-DNA position 1600, A replaced by G.
Protein change: p.Met534Val; replaces methionine 534 with valine.
Molecular consequence: missense variant.
Genome position (GRCh38, 1-based): chr8:38,417,369, T>C on the plus strand (A>G on the coding strand, the complement: FGFR1 is on the minus strand). VCF-style: chr8-38417369-T-C. GRCh37 (hg19) VCF-style: chr8-38274887-T-C.
Other names: c.1600A>G, p.Met534Val (NM_000604.2); c.1594A>G, p.Met532Val (NM_001174063.2, NM_001174065.2, NM_001354367.2 and 1 more transcripts); c.1570A>G, p.Met524Val (NM_001174064.2); c.1333A>G, p.Met445Val (NM_001174066.2, NM_023105.3); c.1693A>G, p.Met565Val (NM_001174067.2); c.1321A>G, p.Met441Val (NM_001354368.2); c.1588A>G, p.Met530Val (NM_001354369.2, NM_001410922.1); c.1327A>G, p.Met443Val (NM_001354370.2, NM_023106.3); short protein forms M565V, M445V, M524V, M530V, M441V, M443V, M532V, M534V.
Identifiers: ClinVar variation 2038702 (VCV002038702.6), dbSNP rs530348127, ClinGen allele CA175141095.

ClinVar aggregate classification (germline): Uncertain significance. Review status: criteria provided, multiple submitters, no conflicts (2 of 4 stars). 3 submissions from 3 submitters: Uncertain significance (3). Last evaluated 2026-06-17.

Conditions:
Hypogonadotropic hypogonadism 2 with or without anosmia (HH2). Also called: HYPOGONADOTROPIC HYPOGONADISM 2 WITHOUT ANOSMIA; FGFR1-Related GnRH Deficiency (Kallmann Syndrome 2); HYPOGONADOTROPIC HYPOGONADISM 2 WITH OR WITHOUT ANOSMIA, SUSCEPTIBILITY TO; HYPOGONADOTROPIC HYPOGONADISM 2 WITHOUT ANOSMIA, SUSCEPTIBILITY TO. Identifiers: Orphanet 478, MedGen C1563720, MONDO:0007844, OMIM 147950. Disease mechanism: loss of function.
Pfeiffer syndrome (ACS5). Also called: ACS V. Identifiers: Orphanet 710, MedGen C0220658, MONDO:0007043, OMIM 101600.
Inborn genetic diseases. Identifiers: MedGen C0950123, MeSH D030342.

Allele frequency attached by ClinVar (database versions not stated): 1000 Genomes Project 0.00020; gnomAD 0.00002; 1000 Genomes Project 30x 0.00016; gnomAD exomes below 0.00001; TOPMed 0.00002.
gnomAD v4.1: 9 of 1,614,062 alleles (0.00056%); highest among the groups gnomAD compares: East Asian, 0.018%; no homozygotes.

Submissions (3):

Victorian Clinical Genetics Services, Murdoch Childrens Research Institute
Classification: Uncertain significance for Hypogonadotropic hypogonadism 2 with or without anosmia. Last evaluated: 2026-06-17. Review status: criteria provided, single submitter. Criteria: ACMG Guidelines, 2015. Collection method: clinical testing. Allele origin: germline. Affected: yes.
Comment: This variant is classified as VUS-3B. Evidence in support of pathogenic classification: Variant is present in gnomAD <0.001 for a dominant condition (v4: 9 heterozygote(s), 0 homozygote(s)). Additional information: Variant is predicted to result in a missense amino acid change from Met to Val; This variant is heterozygous; This gene is associated with autosomal dominant disease, with very rare reports of biallelic missense variants in patients with Hartsfield syndrome (PMID: 23812909); Previous evidence of pathogenicity for this variant is inconclusive. This variant has been classified twice as VUS by clinical laboratories in ClinVar, and has been reported in the literature in an individual diagnosed with Kallman syndrome (PMID: 33548149); No published evidence of segregation with disease has been identified for this variant; No published functional evidence has been identified for this variant; No comparable missense variants have previous evidence for pathogenicity; Variant is located in the annotated protein tyrosine and serine/threonine kinase domain (DECIPHER); Missense variant with inconclusive in silico prediction and/or uninformative conservation; Loss of function, gain of function and dominant negative are known mechanisms of disease in this gene, and are associated with FGFR1-related disease. Loss of function missense variants and variants predicted to undergo nonsense-mediated decay have been reported to cause Hartsfield syndrome (MIM#615465) and hypogonadotropic hypogonadism 2 (MIM#147950). Gain of function missense variants have been reported to cause encephalocraniocutaneous lipomatosis, somatic mosaic (MIM#613001) and osteoglophonic dysplasia (MIM#166250). Dominant negative missense variants in the tyrosine kinase domain have been associated with Hartsfield syndrome (MIM#615465). Additional missense variants have been reported in patients with Jackson-Weiss syndrome (MIM#123150), Pfeiffer syndrome (MIM#101600) or trigonocephaly 1 (MIM#190440); however, the disease mechanism of these variants is unknown (OMIM, PMID: 18034870, 23812909, 26937548, 26942290; 30787447); The condition associated with this gene has incomplete penetrance. Incomplete penetrance has been reported for Hartsfield syndrome (MIM#615465) (PMID: 26937548); Loss of function variants in this gene are known to have variable expressivity (PMID: 23812909); Inheritance information for this variant is not currently available in this individual.

Ambry Genetics
Classification: Uncertain significance for Inborn genetic diseases. Last evaluated: 2025-05-19. Review status: criteria provided, single submitter. Criteria: Ambry Variant Classification Scheme 2023. Collection method: clinical testing. Allele origin: germline.

Labcorp Genetics (formerly Invitae), Labcorp
Classification: Uncertain significance for Pfeiffer syndrome; Hypogonadotropic hypogonadism 2 with or without anosmia. Last evaluated: 2022-10-07. Review status: criteria provided, single submitter. Criteria: Invitae Variant Classification Sherloc (09022015). Collection method: clinical testing. Allele origin: germline.
Comment: This sequence change replaces methionine, which is neutral and non-polar, with valine, which is neutral and non-polar, at codon 534 of the FGFR1 protein (p.Met534Val). This variant is present in population databases (rs530348127, gnomAD 0.04%). This missense change has been observed in individual(s) with Kallmann syndrome (PMID: 33548149). Advanced modeling of protein sequence and biophysical properties (such as structural, functional, and spatial information, amino acid conservation, physicochemical variation, residue mobility, and thermodynamic stability) performed at Invitae indicates that this missense variant is not expected to disrupt FGFR1 protein function. In summary, the available evidence is currently insufficient to determine the role of this variant in disease. Therefore, it has been classified as a Variant of Uncertain Significance.

Literature cited by the submitters: PubMed 23812909 (cited by Victorian Clinical Genetics Services, Murdoch Childrens Research Institute); PubMed 26942290 (cited by Victorian Clinical Genetics Services, Murdoch Childrens Research Institute); PubMed 18034870 (cited by Victorian Clinical Genetics Services, Murdoch Childrens Research Institute); PubMed 33548149 (cited by 3 submitters); PubMed 26937548 (cited by Victorian Clinical Genetics Services, Murdoch Childrens Research Institute).